The following is an entry in ClinVar:

ClinVar aggregate classification (germline): Likely benign. Review status: criteria provided, multiple submitters, no conflicts (2 of 4 stars). 2 submissions from 2 submitters: Likely benign (2). Last evaluated 2026-02-01.

Conditions:
Spondylodysplastic Ehlers-Danlos syndrome. Identifiers: Orphanet 536471, Orphanet 75496, MedGen C5680154, MONDO:0007526.

Allele frequency attached by ClinVar (database versions not stated): gnomAD 0.00011 and 0.00012; TOPMed 0.00013; ESP Exome Variant Server 0.00023.
gnomAD v4.1: 62 of 1,613,586 alleles (0.0038%); highest among the groups gnomAD compares: African/African-American, 0.033%; 1 homozygote.

Submissions (2):

Labcorp Genetics (formerly Invitae), Labcorp
Classification: Likely benign for Spondylodysplastic Ehlers-Danlos syndrome. Last evaluated: 2026-02-01. Review status: criteria provided, single submitter. Criteria: Invitae Variant Classification Sherloc (09022015). Collection method: clinical testing. Allele origin: germline.

GeneDx
Classification: Likely benign. Last evaluated: 2018-01-23. Review status: criteria provided, single submitter. Criteria: GeneDx Variant Classification (06012015). Collection method: clinical testing. Allele origin: germline. Affected: yes.
Comment: This variant is considered likely benign or benign based on one or more of the following criteria: it is a conservative change, it occurs at a poorly conserved position in the protein, it is predicted to be benign by multiple in silico algorithms, and/or has population frequency not consistent with disease.

NM_007255.3(B4GALT7):c.717G>C (p.Gly239=)

Gene: B4GALT7 (beta-1,4-galactosyltransferase 7; plus strand). Cytogenetic location: 5q35.3.
Variant type: single nucleotide variant.
Coding change: c.717G>C on transcript NM_007255.3 (MANE Select); coding-DNA position 717, G replaced by C.
Protein change: p.Gly239=; no amino-acid change (glycine 239 retained).
Molecular consequence: synonymous variant.
Genome position (GRCh38, 1-based): chr5:177,608,616, G>C. VCF-style: chr5-177608616-G-C. GRCh37 (hg19) VCF-style: chr5-177035617-G-C.
Identifiers: ClinVar variation 514964 (VCV000514964.9), dbSNP rs149805079, ClinGen allele CA3586642.